The following is an entry in ClinVar:

NM_000285.4(PEPD):c.634G>C (p.Ala212Pro)

Gene: PEPD (peptidase D; minus strand). Cytogenetic location: 19q13.11.
Variant type: single nucleotide variant.
Coding change: c.634G>C on transcript NM_000285.4 (MANE Select); coding-DNA position 634, G replaced by C.
Protein change: p.Ala212Pro; replaces alanine 212 with proline.
Molecular consequence: missense variant. On other transcripts: intron variant (1).
Genome position (GRCh38, 1-based): chr19:33,463,032, C>G on the plus strand (G>C on the coding strand, the complement: PEPD is on the minus strand). VCF-style: chr19-33463032-C-G. GRCh37 (hg19) VCF-style: chr19-33953938-C-G.
Other names: c.442G>C, p.Ala148Pro (NM_001166057.2); c.548+15014G>C (NM_001166056.2); short protein forms A212P, A148P.
Identifiers: ClinVar variation 209997 (VCV000209997.9), dbSNP rs747700126, ClinGen allele CA347445.

ClinVar aggregate classification (germline): Pathogenic/Likely pathogenic. Review status: criteria provided, multiple submitters, no conflicts (2 of 4 stars). 4 submissions from 4 submitters: Pathogenic (2); Likely pathogenic (1). 1 of the submissions does not count toward it. Last evaluated 2024-05-24.

Conditions:
Prolidase deficiency. Identifiers: Orphanet 742, MedGen C0268532, MONDO:0008221, OMIM 170100.

gnomAD v4.1: 1 of 1,586,220 alleles (0.000063%); highest among the groups gnomAD compares: Non-Finnish European, 0.000087%; no homozygotes.

Submissions (4):

Fulgent Genetics
Classification: Pathogenic for Prolidase deficiency. Last evaluated: 2024-05-24. Review status: criteria provided, single submitter. Criteria: ACMG Guidelines, 2015. Collection method: clinical testing. Allele origin: germline.

Women's Health and Genetics/Laboratory Corporation of America, LabCorp
Classification: Pathogenic for Prolidase deficiency. Last evaluated: 2024-05-20. Review status: criteria provided, single submitter. Criteria: LabCorp Variant Classification Summary - May 2015. Collection method: clinical testing. Allele origin: germline.
Comment: Variant summary: PEPD c.634G>C (p.Ala212Pro) results in a non-conservative amino acid change located in the Peptidase M24 domain (IPR000994) of the encoded protein sequence. Four of five in-silico tools predict a damaging effect of the variant on protein function. The variant was absent in 249576 control chromosomes. c.634G>C has been reported in the literature in multiple individuals affected with Prolidase Deficiency (example: Falik-Zaccai_2010). These data indicate that the variant is very likely to be associated with disease. The following publication has been ascertained in the context of this evaluation (PMID: 19308961). ClinVar contains an entry for this variant (Variation ID: 209997). Based on the evidence outlined above, the variant was classified as pathogenic.

Labcorp Genetics (formerly Invitae), Labcorp
Classification: Likely pathogenic. Last evaluated: 2022-11-23. Review status: criteria provided, single submitter. Criteria: Invitae Variant Classification Sherloc (09022015). Collection method: clinical testing. Allele origin: germline.
Comment: This sequence change replaces alanine, which is neutral and non-polar, with proline, which is neutral and non-polar, at codon 212 of the PEPD protein (p.Ala212Pro). This variant is not present in population databases (gnomAD no frequency). In summary, the currently available evidence indicates that the variant is pathogenic, but additional data are needed to prove that conclusively. Therefore, this variant has been classified as Likely Pathogenic. Advanced modeling of protein sequence and biophysical properties (such as structural, functional, and spatial information, amino acid conservation, physicochemical variation, residue mobility, and thermodynamic stability) performed at Invitae indicates that this missense variant is not expected to disrupt PEPD protein function. ClinVar contains an entry for this variant (Variation ID: 209997). This missense change has been observed in individual(s) with prolidase deficiency (PMID: 19308961). It has also been observed to segregate with disease in related individuals.

GeneReviews
No classification provided. Condition: Prolidase deficiency. Review status: no classification provided. Collection method: literature only. Allele origin: germline. Affected: yes. Not counted in ClinVar's aggregate classification.

Literature cited by the submitters: PubMed 19308961 (cited by 3 submitters); NCBI Bookshelf NBK299584 (cited by GeneReviews).